The following is an entry in ClinVar:

NM_153717.3(EVC):c.221A>C (p.Gln74Pro)

Gene: EVC (EvC ciliary complex subunit 1; plus strand). Cytogenetic location: 4p16.2.
Variant type: single nucleotide variant.
Coding change: c.221A>C on transcript NM_153717.3 (MANE Select); coding-DNA position 221, A replaced by C.
Protein change: p.Gln74Pro; replaces glutamine 74 with proline.
Molecular consequence: missense variant.
Genome position (GRCh38, 1-based): chr4:5,719,294, A>C. VCF-style: chr4-5719294-A-C. GRCh37 (hg19) VCF-style: chr4-5721021-A-C.
Other names: c.221A>C, p.Gln74Pro (NM_001306090.2, NM_001306092.2); short protein forms Q74P.
Identifiers: ClinVar variation 262770 (VCV000262770.21), dbSNP rs2291157, ClinGen allele CA2835599.
Genomic context (GRCh38, chr4:5,719,294, plus strand): 5'-CCTTCGGGTTTTAGAAAGACGACACTCAAAATCTGCTCAAGAATTTGGAGTCTAATGCGC[A>C]GACCCCCTCGGAAACTGGCTCCCCATCAAGGAGGAGGAAGAGAGAAGTGCAGATGTCGAA-3'
Protein context (NP_714928.1, residues 64-84): NLLKNLESNA[Gln74Pro]TPSETGSPSR

ClinVar aggregate classification (germline): Benign/Likely benign. Review status: criteria provided, multiple submitters, no conflicts (2 of 4 stars). 9 submissions from 9 submitters: Benign (7); Likely benign (1). 1 of the submissions does not count toward it. Last evaluated 2026-05-08.

Conditions:
Ellis-van Creveld syndrome (EVC). Also called: Chondroectodermal dysplasia; MESOECTODERMAL DYSPLASIA. Identifiers: Orphanet 289, MedGen C0013903, MONDO:0009162, OMIM 225500.
Curry-Hall syndrome (WAD). Also called: WEYERS ACRODENTAL DYSOSTOSIS. Identifiers: Orphanet 952, MedGen C0457013, MONDO:0008673, OMIM 193530.

Allele frequency attached by ClinVar (database versions not stated): ESP Exome Variant Server 0.07804; gnomAD 0.07908 and 0.08292; TOPMed 0.08933; gnomAD exomes 0.09219 and 0.11014; 1000 Genomes Project 0.10423; 1000 Genomes Project 30x 0.10462; ExAC 0.10788.
gnomAD v4.1: 147,707 of 1,614,118 alleles (9.2%); highest among the groups gnomAD compares: Admixed American, 16%; 7,525 homozygotes.

Submissions (9):

Women's Health and Genetics/Laboratory Corporation of America, LabCorp
Classification: Likely benign. Last evaluated: 2026-05-08. Review status: criteria provided, single submitter. Criteria: LabCorp Variant Classification Summary - May 2015. Collection method: clinical testing. Allele origin: germline.

Labcorp Genetics (formerly Invitae), Labcorp
Classification: Benign for Curry-Hall syndrome; Ellis-van Creveld syndrome. Last evaluated: 2026-02-04. Review status: criteria provided, single submitter. Criteria: Invitae Variant Classification Sherloc (09022015). Collection method: clinical testing. Allele origin: germline.

Blueprint Genetics
Classification: Benign. Last evaluated: 2024-11-26. Review status: criteria provided, single submitter. Criteria: ACMG Guidelines, 2015. Collection method: clinical testing. Allele origin: germline.

Pars Genome Lab
Classification: Benign for Ellis-van Creveld syndrome. Last evaluated: 2021-06-15. Review status: criteria provided, single submitter. Criteria: ACMG Guidelines, 2015. Collection method: clinical testing. Allele origin: germline. Affected: no.

Illumina Laboratory Services, Illumina
Classification: Benign for Ellis-van Creveld syndrome. Last evaluated: 2018-01-13. Review status: criteria provided, single submitter. Criteria: ICSL Variant Classification Criteria 13 December 2019. Collection method: clinical testing. Allele origin: germline.
Comment: This variant was observed in the ICSL laboratory as part of a predisposition screen in an ostensibly healthy population. It had not been previously curated by ICSL or reported in the Human Gene Mutation Database (HGMD: prior to June 1st, 2018), and was therefore a candidate for classification through an automated scoring system. Utilizing variant allele frequency, disease prevalence and penetrance estimates, and inheritance mode, an automated score was calculated to assess if this variant is too frequent to cause the disease. Based on the score and internal cut-off values, a variant classified as benign is not then subjected to further curation. The score for this variant resulted in a classification of benign for this disease.

GeneDx
Classification: Benign. Last evaluated: 2016-03-21. Review status: criteria provided, single submitter. Criteria: GeneDx Variant Classification (06012015). Collection method: clinical testing. Allele origin: germline. Affected: yes.
Comment: This variant is considered likely benign or benign based on one or more of the following criteria: it is a conservative change, it occurs at a poorly conserved position in the protein, it is predicted to be benign by multiple in silico algorithms, and/or has population frequency not consistent with disease.

Breakthrough Genomics
Classification: Benign. Review status: criteria provided, single submitter. Criteria: ACMG Guidelines, 2015. Collection method: not provided. Allele origin: germline. Inheritance: Autosomal recessive inheritance. Affected: yes.

PreventionGenetics, part of Exact Sciences
Classification: Benign. Review status: criteria provided, single submitter. Criteria: ACMG Guidelines, 2015. Collection method: clinical testing. Allele origin: germline.

Natera, Inc.
Classification: Benign for Ellis-van Creveld syndrome. Last evaluated: 2020-09-16. Review status: no assertion criteria provided. Collection method: clinical testing. Allele origin: germline. Not counted in ClinVar's aggregate classification.